The following is an entry in ClinVar:

ClinVar aggregate classification (germline): Uncertain significance (1 of 4 stars; one submission).

Conditions:
Charcot-Marie-Tooth disease type 2E (CMT2E). Also called: CHARCOT-MARIE-TOOTH DISEASE, AXONAL, TYPE 2E; CHARCOT-MARIE-TOOTH NEUROPATHY, TYPE 2E. Identifiers: Orphanet 99939, MedGen C1843225, MONDO:0011894, OMIM 607684.

Allele frequency attached by ClinVar (database versions not stated): gnomAD exomes below 0.00001; TOPMed below 0.00001.

Submission:

Labcorp Genetics (formerly Invitae), Labcorp
Classification: Uncertain significance for Charcot-Marie-Tooth disease type 2E. Last evaluated: 2024-12-20. Review status: criteria provided, single submitter. Criteria: Invitae Variant Classification Sherloc (09022015). Collection method: clinical testing. Allele origin: germline.
Comment: This sequence change replaces arginine, which is basic and polar, with histidine, which is basic and polar, at codon 164 of the NEFL protein (p.Arg164His). The frequency data for this variant in the population databases is considered unreliable, as metrics indicate poor data quality at this position in the gnomAD database. This variant has not been reported in the literature in individuals affected with NEFL-related conditions. ClinVar contains an entry for this variant (Variation ID: 2177865). Invitae Evidence Modeling of protein sequence and biophysical properties (such as structural, functional, and spatial information, amino acid conservation, physicochemical variation, residue mobility, and thermodynamic stability) indicates that this missense variant is not expected to disrupt NEFL protein function with a negative predictive value of 80%. In summary, the available evidence is currently insufficient to determine the role of this variant in disease. Therefore, it has been classified as a Variant of Uncertain Significance.

NM_006158.5(NEFL):c.491G>A (p.Arg164His)

Gene: NEFL (neurofilament light chain; minus strand). Cytogenetic location: 8p21.2.
Variant type: single nucleotide variant.
Coding change: c.491G>A on transcript NM_006158.5 (MANE Select); coding-DNA position 491, G replaced by A.
Protein change: p.Arg164His; replaces arginine 164 with histidine.
Molecular consequence: missense variant.
Genome position (GRCh38, 1-based): chr8:24,956,025, C>T on the plus strand (G>A on the coding strand, the complement: NEFL is on the minus strand). VCF-style: chr8-24956025-C-T. GRCh37 (hg19) VCF-style: chr8-24813539-C-T.
Other names: short protein forms R164H.
Identifiers: ClinVar variation 2177865 (VCV002177865.4), dbSNP rs1353746166, ClinGen allele CA370622270.